The following is an entry in ClinVar:

ClinVar aggregate classification (germline): Uncertain significance (1 of 4 stars; one submission).

Conditions:
Hereditary cancer-predisposing syndrome. Also called: Neoplastic Syndromes, Hereditary; Tumor predisposition; Hereditary Cancer Syndrome; Hereditary neoplastic syndrome. Identifiers: Orphanet 140162, MedGen C0027672, MeSH D009386, MONDO:0015356.

Submission:

Ambry Genetics
Classification: Uncertain significance for Hereditary cancer-predisposing syndrome. Last evaluated: 2022-04-01. Review status: criteria provided, single submitter. Criteria: Ambry Variant Classification Scheme 2023. Collection method: clinical testing. Allele origin: germline.
Comment: The p.I590S variant (also known as c.1769T>G), located in coding exon 10 of the RET gene, results from a T to G substitution at nucleotide position 1769. The isoleucine at codon 590 is replaced by serine, an amino acid with dissimilar properties. This amino acid position is conserved. In addition, the in silico prediction for this alteration is inconclusive. Since supporting evidence is limited at this time, the clinical significance of this alteration remains unclear.

NM_020975.6(RET):c.1769T>G (p.Ile590Ser)

Gene: RET (ret proto-oncogene; plus strand). Cytogenetic location: 10q11.21.
Variant type: single nucleotide variant.
Coding change: c.1769T>G on transcript NM_020975.6 (MANE Select); coding-DNA position 1769, T replaced by G.
Protein change: p.Ile590Ser; replaces isoleucine 590 with serine.
Molecular consequence: missense variant.
Genome position (GRCh38, 1-based): chr10:43,113,565, T>G. VCF-style: chr10-43113565-T-G. GRCh37 (hg19) VCF-style: chr10-43609013-T-G.
Other names: c.1769T>G, p.Ile590Ser (NM_000323.2, NM_001406743.1, NM_001406744.1 and 6 more transcripts); c.1007T>G, p.Ile336Ser (NM_001355216.2); c.1640T>G, p.Ile547Ser (NM_001406761.1, NM_001406762.1, NM_001406764.1 and 1 more transcripts); c.1481T>G, p.Ile494Ser (NM_001406766.1, NM_001406767.1, NM_001406770.1); c.1373T>G, p.Ile458Ser (NM_001406769.1, NM_001406772.1); c.1331T>G, p.Ile444Ser (NM_001406771.1, NM_001406773.1); c.1244T>G, p.Ile415Ser (NM_001406774.1); c.1043T>G, p.Ile348Ser (NM_001406775.1, NM_001406776.1, NM_001406777.1 and 1 more transcripts); and 5 more; short protein forms I107S, I494S, I444S, I458S, I291S, I336S, I415S, I547S.
Identifiers: ClinVar variation 1779743 (VCV001779743.2), dbSNP rs1348219647, ClinGen allele CA376552449.
Genomic context (GRCh38, chr10:43,113,565, plus strand): 5'-CTGGGGTGGTCAGGCGCCCCAGGAGGCTGAGTGGGCTACGTCTGCCCTCAGGGGGCAGCA[T>G]TGTTGGGGGACACGAGCCTGGGGAGCCCCGGGGGATTAAAGCTGGCTATGGCACCTGCAA-3'
Protein context (NP_066124.1, residues 580-600): ICPQDCLRGS[Ile590Ser]VGGHEPGEPR